The following is an entry in ClinVar:

ClinVar aggregate classification (germline): Uncertain significance (1 of 4 stars; one submission).

Submission:

Labcorp Genetics (formerly Invitae), Labcorp
Classification: Uncertain significance. Last evaluated: 2025-02-02. Review status: criteria provided, single submitter. Criteria: Invitae Variant Classification Sherloc (09022015). Collection method: clinical testing. Allele origin: germline.
Comment: This sequence change falls in intron 10 of the CEP97 gene. It does not directly change the encoded amino acid sequence of the CEP97 protein. It affects a nucleotide within the consensus splice site. This variant is not present in population databases (gnomAD no frequency). This variant has not been reported in the literature in individuals affected with CEP97-related conditions. Variants that disrupt the consensus splice site are a relatively common cause of aberrant splicing (PMID: 17576681, 9536098). Algorithms developed to predict the effect of sequence changes on RNA splicing suggest that this variant may disrupt the consensus splice site. In summary, the available evidence is currently insufficient to determine the role of this variant in disease. Therefore, it has been classified as a Variant of Uncertain Significance.

Literature cited by the submitters: PubMed 17576681; PubMed 9536098.

NM_024548.4(CEP97):c.1894-1G>C

Gene: CEP97 (centrosomal protein 97; plus strand). Cytogenetic location: 3q12.3.
Variant type: single nucleotide variant.
Coding change: c.1894-1G>C on transcript NM_024548.4 (MANE Select); the canonical splice acceptor site of the intron before coding-DNA position 1894, G replaced by C.
Molecular consequence: splice acceptor variant.
Genome position (GRCh38, 1-based): chr3:101,764,846, G>C. VCF-style: chr3-101764846-G-C. GRCh37 (hg19) VCF-style: chr3-101483690-G-C.
Other names: c.1717-1G>C (NM_001303401.2); c.1792-1G>C (NM_001410784.1); c.1615-1G>C (NM_001410785.1).
Identifiers: ClinVar variation 3717360 (VCV003717360.2).
Genomic context (GRCh38, chr3:101,764,846, plus strand): 5'-AACAAACAAACAAAAACAACACTTTTTATTTTATAATACAACTGTATTCTCTGGTTTATA[G>C]GTAAGGTCTCTACAGGTTTGGCAACAGACAGTGGACCAGCGTCTAAGTTCCTGGCATACT-3'